The following is an entry in ClinVar:

NM_005271.5(GLUD1):c.274C>T (p.Arg92Trp)

Genes: GLUD1 (glutamate dehydrogenase 1; minus strand), SHLD2 (shieldin complex subunit 2; plus strand). Cytogenetic location: 10q23.2.
Variant type: single nucleotide variant.
Coding change: c.274C>T on transcript NM_005271.5 (MANE Select); coding-DNA position 274, C replaced by T.
Protein change: p.Arg92Trp; replaces arginine 92 with tryptophan.
Molecular consequence: missense variant. On other transcripts: 5 prime UTR variant (3).
Genome position (GRCh38, 1-based): chr10:87,094,496, G>A on the plus strand (C>T on the coding strand, the complement: GLUD1 is on the minus strand). VCF-style: chr10-87094496-G-A. GRCh37 (hg19) VCF-style: chr10-88854253-G-A.
Other names: c.-455C>T (NM_001318904.2); c.-581C>T (NM_001318905.2); c.-288C>T (NM_001318906.2); short protein forms R92W.
Identifiers: ClinVar variation 1795530 (VCV001795530.2), dbSNP rs369007113, ClinGen allele CA5587731.
Genomic context (GRCh38, chr10:87,094,496, plus strand): 5'-AGGGCTTGATGATCCGCAGGATGCCGCGCACCCGGTTCCGCTTCTGCTCCTCGCTCTCCC[G>A]GGTCCTCAGGTCCTCCACCAGCTTGTCCTCCACGATGCTGGCGCCGCGATCGAAGAAGCC-3'
Protein context (NP_005262.1, residues 82-102): EDKLVEDLRT[Arg92Trp]ESEEQKRNRV

ClinVar aggregate classification (germline): Uncertain significance (1 of 4 stars; one submission).

Conditions:
Inborn genetic diseases. Identifiers: MedGen C0950123, MeSH D030342.

Allele frequency attached by ClinVar (database versions not stated): ExAC 0.00001; gnomAD 0.00004; ESP Exome Variant Server 0.00008.
gnomAD v4.1: 10 of 1,613,420 alleles (0.00062%); highest among the groups gnomAD compares: African/African-American, 0.0093%; no homozygotes.

Submission:

Ambry Genetics
Classification: Uncertain significance for Inborn genetic diseases. Last evaluated: 2022-09-19. Review status: criteria provided, single submitter. Criteria: Ambry Variant Classification Scheme 2023. Collection method: clinical testing. Allele origin: germline.
Comment: The p.R92W variant (also known as c.274C>T), located in coding exon 1 of the GLUD1 gene, results from a C to T substitution at nucleotide position 274. The arginine at codon 92 is replaced by tryptophan, an amino acid with dissimilar properties. This amino acid position is conserved. In addition, this alteration is predicted to be deleterious by in silico analysis. Since supporting evidence is limited at this time, the clinical significance of this alteration remains unclear.